The following is an entry in ClinVar:

ClinVar aggregate classification (germline): Pathogenic/Likely pathogenic. Review status: criteria provided, multiple submitters, no conflicts (2 of 4 stars). 2 submissions from 2 submitters: Pathogenic (1); Likely pathogenic (1). Last evaluated 2022-10-03.

Conditions:
Mitochondrial complex I deficiency. Also called: NADH:Q(1) OXIDOREDUCTASE DEFICIENCY. Identifiers: Orphanet 2609, MedGen C1838979, MeSH C537475, MONDO:0100133.

Submissions (2):

Women's Health and Genetics/Laboratory Corporation of America, LabCorp
Classification: Likely pathogenic for Mitochondrial complex I deficiency. Last evaluated: 2022-10-03. Review status: criteria provided, single submitter. Criteria: LabCorp Variant Classification Summary - May 2015. Collection method: clinical testing. Allele origin: germline.
Comment: Variant summary: ACAD9 c.1029+1dupG is located in a canonical splice-site and is predicted to affect mRNA splicing resulting in a significantly altered protein due to either exon skipping, shortening, or inclusion of intronic material. Several computational tools predict a significant impact on normal splicing: Four predict the variant abolishes the canonical 5' splicing donor site. However, these predictions have yet to be confirmed by functional studies. The variant was absent in 251462 control chromosomes (gnomAD). To our knowledge, no occurrence of c.1029+1dupG in individuals affected with Mitochondrial Complex I Deficiency, Nuclear Type 20 and no experimental evidence demonstrating its impact on protein function have been reported. One clinical diagnostic laboratory has submitted clinical-significance assessments for this variant to ClinVar after 2014 and classified the variant as pathogenic. Based on the evidence outlined above, the variant was classified as likely pathogenic.

Labcorp Genetics (formerly Invitae), Labcorp
Classification: Pathogenic. Last evaluated: 2021-10-27. Review status: criteria provided, single submitter. Criteria: Invitae Variant Classification Sherloc (09022015). Collection method: clinical testing. Allele origin: germline.
Comment: This variant is not present in population databases (gnomAD no frequency). For these reasons, this variant has been classified as Pathogenic. Algorithms developed to predict the effect of sequence changes on RNA splicing suggest that this variant may disrupt the consensus splice site. This variant has not been reported in the literature in individuals affected with ACAD9-related conditions. This sequence change creates a premature translational stop signal (Splice site) in the ACAD9 gene. It is expected to result in an absent or disrupted protein product. Loss-of-function variants in ACAD9 are known to be pathogenic (PMID: 25721401).

Literature cited by the submitters: PubMed 25721401 (cited by Labcorp Genetics (formerly Invitae), Labcorp).

NM_014049.5(ACAD9):c.1029+1dup

Gene: ACAD9 (acyl-CoA dehydrogenase family member 9; plus strand). Cytogenetic location: 3q21.3.
Variant type: Duplication.
Coding change: c.1029+1dup on transcript NM_014049.5 (MANE Select); the canonical splice donor site of the intron after coding-DNA position 1029, one base duplicated (G; older notation c.1029+1dupG).
Molecular consequence: splice donor variant.
Genome position (GRCh38, 1-based): chr3:128,904,133, G duplicated; the last of 2 consecutive G bases (chr3:128,904,132-128,904,133); duplicating either gives the same sequence. VCF-style (leftmost placement, unchanged base first): chr3-128904131-A-AG. GRCh37 (hg19) VCF-style: chr3-128622974-A-AG.
Other names: c.660+1dup (NM_001410805.1).
Identifiers: ClinVar variation 1414680 (VCV001414680.7), dbSNP rs2107657797, ClinGen allele CA2573136490.